The following is an entry in ClinVar:

ClinVar aggregate classification (germline): Pathogenic (1 of 4 stars; one submission).

Submission:

Labcorp Genetics (formerly Invitae), Labcorp
Classification: Pathogenic. Last evaluated: 2024-01-07. Review status: criteria provided, single submitter. Criteria: Invitae Variant Classification Sherloc (09022015). Collection method: clinical testing. Allele origin: germline.
Comment: This sequence change creates a premature translational stop signal (p.Leu121Ilefs*5) in the RXYLT1 gene. It is expected to result in an absent or disrupted protein product. Loss-of-function variants in RXYLT1 are known to be pathogenic (PMID: 23217329, 23519211, 31742715). This variant is present in population databases (no rsID available, gnomAD 0.01%). This variant has not been reported in the literature in individuals affected with RXYLT1-related conditions. ClinVar contains an entry for this variant (Variation ID: 2061507). For these reasons, this variant has been classified as Pathogenic.

Literature cited by the submitters: PubMed 23217329; PubMed 23519211; PubMed 31742715.

NM_014254.3(RXYLT1):c.360_363del (p.Leu121fs)

Gene: RXYLT1 (ribitol xylosyltransferase 1; plus strand). Cytogenetic location: 12q14.2.
Variant type: Deletion.
Coding change: c.360_363del on transcript NM_014254.3 (MANE Select); coding-DNA positions 360 to 363, 4 bases deleted (ACTT; older notation c.360_363delACTT).
Protein change: p.Leu121fs; shifts the reading frame from leucine 121.
Molecular consequence: frameshift variant. On other transcripts: 5 prime UTR variant (1).
Genome position (GRCh38, 1-based): chr12:63,785,004-63,785,007, ACTT deleted; deleting any 4 consecutive bases within chr12:63,785,001-63,785,007 gives the same sequence; the c. name uses the placement nearest the transcript's 3' end. VCF-style (leftmost placement, unchanged base first): chr12-63785000-GCTTA-G. GRCh37 (hg19) VCF-style: chr12-64178780-GCTTA-G.
Other names: c.-421_-418del (NM_001278237.2); short protein forms L121fs.
Identifiers: ClinVar variation 2061507 (VCV002061507.4), dbSNP rs1565899657, ClinGen allele CA605358653.
Genomic context (GRCh38, chr12:63,785,000, plus strand): 5'-TTTGATTTTGTTTTTGTTGTTAATTACCAGGCTTGTATCTCTGGGAGCATATTTTTGAAG[GCTTA>G]CTTGATCCCAGCGATGTGACTGCTCAATGGAGAGAAGGAAAGTCAATCGTAGGAAGAACA-3'